The following is an entry in ClinVar:

ClinVar aggregate classification (germline): Uncertain significance (1 of 4 stars; one submission).

Submission:

Labcorp Genetics (formerly Invitae), Labcorp
Classification: Uncertain significance. Last evaluated: 2024-04-11. Review status: criteria provided, single submitter. Criteria: Invitae Variant Classification Sherloc (09022015). Collection method: clinical testing. Allele origin: germline.
Comment: This sequence change replaces arginine, which is basic and polar, with lysine, which is basic and polar, at codon 206 of the IRF9 protein (p.Arg206Lys). This variant is not present in population databases (gnomAD no frequency). This variant has not been reported in the literature in individuals affected with IRF9-related conditions. An algorithm developed to predict the effect of missense changes on protein structure and function (PolyPhen-2) suggests that this variant is likely to be tolerated. In summary, the available evidence is currently insufficient to determine the role of this variant in disease. Therefore, it has been classified as a Variant of Uncertain Significance.

NM_006084.5(IRF9):c.617G>A (p.Arg206Lys)

Gene: IRF9 (interferon regulatory factor 9; plus strand). Cytogenetic location: 14q12.
Variant type: single nucleotide variant.
Coding change: c.617G>A on transcript NM_006084.5 (MANE Select); coding-DNA position 617, G replaced by A.
Protein change: p.Arg206Lys; replaces arginine 206 with lysine.
Molecular consequence: missense variant.
Genome position (GRCh38, 1-based): chr14:24,164,102, G>A. VCF-style: chr14-24164102-G-A. GRCh37 (hg19) VCF-style: chr14-24633311-G-A.
Other names: c.617G>A, p.Arg206Lys (NM_001385400.1, NM_001385401.1, NM_001385402.1); short protein forms R206K.
Identifiers: ClinVar variation 3649579 (VCV003649579.2).